The following is an entry in ClinVar:

ClinVar aggregate classification (germline): Pathogenic/Likely pathogenic. Review status: criteria provided, multiple submitters, no conflicts (2 of 4 stars). 2 submissions from 2 submitters: Pathogenic (1); Likely pathogenic (1). Last evaluated 2025-11-03.

Conditions:
Marfan syndrome (MFS). Also called: MARFAN SYNDROME, TYPE I; FBN1-Related Marfan Syndrome; Marfan syndrome type 1; Marfan's syndrome; Marfan syndrome, classic. Identifiers: Orphanet 284963, Orphanet 558, MedGen C0024796, MONDO:0007947, OMIM 154700.
Familial thoracic aortic aneurysm and aortic dissection (TAAD). Also called: Thoracic aortic aneurysms and dissections. Identifiers: Orphanet 91387, MedGen C4707243, MONDO:0019625.

Submissions (2):

Labcorp Genetics (formerly Invitae), Labcorp
Classification: Pathogenic for Marfan syndrome; Familial thoracic aortic aneurysm and aortic dissection. Last evaluated: 2025-11-03. Review status: criteria provided, single submitter. Criteria: Invitae Variant Classification Sherloc (09022015). Collection method: clinical testing. Allele origin: germline.
Comment: This sequence change replaces cysteine, which is neutral and slightly polar, with tyrosine, which is neutral and polar, at codon 2455 of the FBN1 protein (p.Cys2455Tyr). This variant is not present in population databases (gnomAD no frequency). This missense change has been observed in individual(s) with clinical features of Marfan syndrome (PMID: 17627385; internal data). ClinVar contains an entry for this variant (Variation ID: 449435). Invitae Evidence Modeling of protein sequence and biophysical properties (such as structural, functional, and spatial information, amino acid conservation, physicochemical variation, residue mobility, and thermodynamic stability) indicates that this missense variant is expected to disrupt FBN1 protein function with a positive predictive value of 95%. This variant affects a cysteine residue in the EGF-like, TGFBP or hybrid motif domains of FBN1. Cysteine residues are believed to be involved in intramolecular disulfide bridges and have been shown to be important for FBN1 protein structure (PMID: 16905551, 19349279). In addition, missense substitutions affecting cysteine residues within these domains are significantly overrepresented among patients with Marfan syndrome (PMID: 16571647, 17701892). This variant disrupts the p.Cys2455 amino acid residue in FBN1. Other variant(s) that disrupt this residue have been observed in individuals with FBN1-related conditions (PMID: 19159394, 31830381), which suggests that this may be a clinically significant amino acid residue. For these reasons, this variant has been classified as Pathogenic.

GeneDx
Classification: Likely pathogenic. Last evaluated: 2022-08-18. Review status: criteria provided, single submitter. Criteria: GeneDx Variant Classification Process June 2021. Collection method: clinical testing. Allele origin: germline. Affected: yes.
Comment: Not observed at significant frequency in large population cohorts (gnomAD); In silico analysis supports that this missense variant has a deleterious effect on protein structure/function; Affects a cysteine residue within a calcium-binding EGF-like domain of the FBN1 gene, which may affect disulfide bonding and is predicted to alter the structure and function of the protein; cysteine substitutions in the calcium-binding EGF-like domains represent the majority of pathogenic missense changes associated with FBN1-related disorders (Collod-Beroud et al., 2003); This variant is associated with the following publications: (PMID: 33174221, 12938084, 17627385)

Literature cited by the submitters: PubMed 17627385 (cited by Labcorp Genetics (formerly Invitae), Labcorp); PubMed 16905551 (cited by Labcorp Genetics (formerly Invitae), Labcorp); PubMed 19349279 (cited by Labcorp Genetics (formerly Invitae), Labcorp); PubMed 16571647 (cited by Labcorp Genetics (formerly Invitae), Labcorp); PubMed 17701892 (cited by Labcorp Genetics (formerly Invitae), Labcorp); PubMed 19159394 (cited by Labcorp Genetics (formerly Invitae), Labcorp); PubMed 31830381 (cited by Labcorp Genetics (formerly Invitae), Labcorp).

NM_000138.5(FBN1):c.7364G>A (p.Cys2455Tyr)

Gene: FBN1 (fibrillin 1; minus strand). Cytogenetic location: 15q21.1.
Variant type: single nucleotide variant.
Coding change: c.7364G>A on transcript NM_000138.5 (MANE Select); coding-DNA position 7364, G replaced by A.
Protein change: p.Cys2455Tyr; replaces cysteine 2455 with tyrosine.
Molecular consequence: missense variant.
Genome position (GRCh38, 1-based): chr15:48,425,458, C>T on the plus strand (G>A on the coding strand, the complement: FBN1 is on the minus strand). VCF-style: chr15-48425458-C-T. GRCh37 (hg19) VCF-style: chr15-48717655-C-T.
Other names: short protein forms C2455Y.
Identifiers: ClinVar variation 449435 (VCV000449435.13), dbSNP rs1555394409, ClinGen allele CA392327954.
Genomic context (GRCh38, chr15:48,425,458, plus strand): 5'-ATGTAGCCTTTCGGGCATGAACACTGGTAACTCCCTTCTGTGTTTTTGCAGATAAAATTG[C>T]AGGGTTTGGGAGCCTGGTTGCACTCGTTCAGATCTATGATCAAAGAAATACAGCGTGACT-3'
Protein context (NP_000129.3, residues 2445-2465): LNECNQAPKP[Cys2455Tyr]NFICKNTEGS